The following is an entry in ClinVar:

ClinVar aggregate classification (germline): Uncertain significance (1 of 4 stars; one submission).

gnomAD v4.1: 4 of 1,318,708 alleles (0.0003%); highest among the groups gnomAD compares: Non-Finnish European, 0.00019%; no homozygotes.

Submission:

GeneDx
Classification: Uncertain significance. Last evaluated: 2022-05-25. Review status: criteria provided, single submitter. Criteria: GeneDx Variant Classification Process June 2021. Collection method: clinical testing. Allele origin: germline. Affected: yes.
Comment: Not observed at significant frequency in large population cohorts (gnomAD); In silico analysis supports that this missense variant has a deleterious effect on protein structure/function; Has not been previously published as pathogenic or benign to our knowledge

NM_001374828.1(ARID1B):c.1495A>G (p.Thr499Ala)

Gene: ARID1B (AT-rich interaction domain 1B; plus strand). Cytogenetic location: 6q25.3.
Variant type: single nucleotide variant.
Coding change: c.1495A>G on transcript NM_001374828.1 (MANE Select); coding-DNA position 1495, A replaced by G.
Protein change: p.Thr499Ala; replaces threonine 499 with alanine.
Molecular consequence: missense variant.
Genome position (GRCh38, 1-based): chr6:156,779,175, A>G. VCF-style: chr6-156779175-A-G. GRCh37 (hg19) VCF-style: chr6-157100309-A-G.
Other names: c.1246A>G, p.Thr416Ala (NM_001346813.1, NM_020732.3); c.1495A>G, p.Thr499Ala (NM_001371656.1, NM_001374820.1, NM_017519.3); c.1072A>G, p.Thr358Ala (NM_175863.2); short protein forms T358A, T416A, T499A.
Identifiers: ClinVar variation 1800905 (VCV001800905.1), dbSNP rs2546841200, ClinGen allele CA366384540.
Genomic context (GRCh38, chr6:156,779,175, plus strand): 5'-GGCTCGGCGGCGGGGGGCTTCCAGCGCTTCGCCGGCCAGAACCAGCACCCGTCGGGGGCC[A>G]CCCCGACCCTCAATCAGCTGCTCACCTCGCCCAGCCCCATGATGCGGAGCTACGGCGGCA-3'
Protein context (NP_001361757.1, residues 489-509): AGQNQHPSGA[Thr499Ala]PTLNQLLTSP